The following is an entry in ClinVar:

NR_033320.3(MIAT):n.3597dup

Gene: MIAT (myocardial infarction associated transcript; plus strand). Cytogenetic location: 22q12.1.
Variant type: Duplication.
Molecular consequence: non-coding transcript variant (on NR_033320.3).
Genome position: GRCh38 VCF-style: chr22-26670056-A-AT. GRCh37 (hg19) VCF-style: chr22-27066019-A-AT.
Identifiers: ClinVar variation 3055781 (VCV003055781.2), dbSNP rs35523695, ClinGen allele CA322668411.

ClinVar aggregate classification (germline): Benign (0 of 4 stars; one submission).

Conditions:
MIAT-related disorder. Also called: MIAT-related condition.

Submission:

PreventionGenetics, part of Exact Sciences
Classification: Benign for MIAT-related condition. Last evaluated: 2020-01-27. Review status: no assertion criteria provided. Collection method: clinical testing. Allele origin: germline.
Comment: This variant is classified as benign based on ACMG/AMP sequence variant interpretation guidelines (Richards et al. 2015 PMID: 25741868, with internal and published modifications).